The following is an entry in ClinVar:

ClinVar aggregate classification (germline): Likely benign. Review status: criteria provided, multiple submitters, no conflicts (2 of 4 stars). 4 submissions from 4 submitters: Likely benign (4). Last evaluated 2025-10-25.

Conditions:
Catecholaminergic polymorphic ventricular tachycardia (CVPT). Also called: Catecholamine-induced polymorphic ventricular tachycardia. Identifiers: Orphanet 3286, MedGen C5574922, MONDO:0017990.
Cardiomyopathy (CMYO). Also called: Cardiomyopathies. Identifiers: Orphanet 167848, MedGen C0878544, MONDO:0004994, HP:0001638. Inheritance: Various modes of inheritance.
Catecholaminergic polymorphic ventricular tachycardia 1. Also called: RYR2-Related Catecholaminergic Polymorphic Ventricular Tachycardia; VENTRICULAR TACHYCARDIA, CATECHOLAMINERGIC POLYMORPHIC, 1, WITH OR WITHOUT ATRIAL DYSFUNCTION AND/OR DILATED CARDIOMYOPATHY; VENTRICULAR TACHYCARDIA, STRESS-INDUCED POLYMORPHIC 1. Identifiers: Orphanet 3286, MedGen C1631597, MONDO:0011484, OMIM 604772.

Allele frequency attached by ClinVar (database versions not stated): gnomAD 0.00001; gnomAD exomes 0.00001.
gnomAD v4.1: 46 of 1,612,272 alleles (0.0029%); highest among the groups gnomAD compares: Non-Finnish European, 0.0039%; no homozygotes.

Submissions (4):

Labcorp Genetics (formerly Invitae), Labcorp
Classification: Likely benign for Catecholaminergic polymorphic ventricular tachycardia 1. Last evaluated: 2025-10-25. Review status: criteria provided, single submitter. Criteria: Invitae Variant Classification Sherloc (09022015). Collection method: clinical testing. Allele origin: germline.

Blueprint Genetics
Classification: Likely benign. Last evaluated: 2024-09-11. Review status: criteria provided, single submitter. Criteria: ACMG Guidelines, 2015. Collection method: clinical testing. Allele origin: germline.

All of Us Research Program, National Institutes of Health
Classification: Likely benign for Catecholaminergic polymorphic ventricular tachycardia. Last evaluated: 2023-06-28. Review status: criteria provided, single submitter. Criteria: ACMG Guidelines, 2015. Collection method: clinical testing. Allele origin: germline. Inheritance: Autosomal dominant inheritance. Observed: 3 variant alleles, 3 heterozygotes.
Comment: This study involves interpretation of variants in research participants for the purpose of population health screening. Participant phenotype was not available at the time of variant classification. Additional details can be found in publication PMID: 35346344, PMCID: PMC8962531

Color Diagnostics, LLC DBA Color Health
Classification: Likely benign for Cardiomyopathy. Last evaluated: 2018-08-25. Review status: criteria provided, single submitter. Criteria: ACMG Guidelines, 2015. Collection method: clinical testing. Allele origin: germline.

NM_001035.3(RYR2):c.10324-13C>G

Gene: RYR2 (ryanodine receptor 2; plus strand). Cytogenetic location: 1q43.
Variant type: single nucleotide variant.
Coding change: c.10324-13C>G on transcript NM_001035.3 (MANE Select); 13 bases into the intron before coding-DNA position 10324, C replaced by G.
Molecular consequence: intron variant.
Genome position (GRCh38, 1-based): chr1:237,717,185, C>G. VCF-style: chr1-237717185-C-G. GRCh37 (hg19) VCF-style: chr1-237880485-C-G.
Other names: c.10324-13C>G (LRG_402t1).
Identifiers: ClinVar variation 629119 (VCV000629119.13), dbSNP rs1188052509, ClinGen allele CA529912986.
Genomic context (GRCh38, chr1:237,717,185, plus strand): 5'-TAGGGAAGAGTCATAGTGGTTCTACATGTGAGAAAAGCAGGTTCAGATCCCAGCACTTCT[C>G]TTTGTTCCATAGGCAGCTGTTTCTGATCAGGAAAGGAAGAAAATGAAGCGCAAAGGAGAT-3'